The following is an entry in ClinVar:

NM_001148.6(ANK2):c.7379T>C (p.Leu2460Pro)

Genes: ANK2 (ankyrin 2; plus strand), LOC126807137 (CDK7 strongly-dependent group 2 enhancer GRCh37_chr4:114276560-114277759; plus strand). Cytogenetic location: 4q26.
Variant type: single nucleotide variant.
Coding change: c.7379T>C on transcript NM_001148.6 (MANE Select); coding-DNA position 7379, T replaced by C.
Protein change: p.Leu2460Pro; replaces leucine 2460 with proline.
Molecular consequence: missense variant. On other transcripts: intron variant (68).
Genome position (GRCh38, 1-based): chr4:113,355,997, T>C. VCF-style: chr4-113355997-T-C. GRCh37 (hg19) VCF-style: chr4-114277153-T-C.
Other names: c.7145T>C, p.Leu2382Pro (NM_001386142.1); c.3779T>C, p.Leu1260Pro (NM_001386166.1); c.7520T>C, p.Leu2507Pro (NM_001386174.1); c.7496T>C, p.Leu2499Pro (NM_001386175.1); c.4412-4826T>C (NM_001386186.2, NM_001386148.2); c.4214-4826T>C (NM_001354269.3); c.4292-4826T>C (NM_001386187.2); c.4253-4826T>C (NM_001386147.1); and 35 more; short protein forms L1260P, L2382P, L2460P, L2499P, L2507P.
Identifiers: ClinVar variation 1315600 (VCV001315600.5), dbSNP rs1294965906, ClinGen allele CA357930210.
Genomic context (GRCh38, chr4:113,355,997, plus strand): 5'-GCCCTGTGCTAGAAGATAACTCTTCACACAAAACCCCTGATTCTCTGGAGCCAAGTCCTC[T>C]GAAAGAATCCCCTTGCCGTGACTCTCTGGAAAGCAGCCCTGTTGAACCAAAGATGAAGGC-3'
Protein context (NP_001139.3, residues 2450-2470): KTPDSLEPSP[Leu2460Pro]KESPCRDSLE

ClinVar aggregate classification (germline): Uncertain significance. Review status: criteria provided, multiple submitters, no conflicts (2 of 4 stars). 2 submissions from 2 submitters: Uncertain significance (2). Last evaluated 2025-04-02.

Conditions:
Cardiovascular phenotype. Identifiers: MedGen CN230736.

Allele frequency attached by ClinVar (database versions not stated): gnomAD exomes below 0.00001; TOPMed below 0.00001.
gnomAD v4.1: 5 of 1,614,102 alleles (0.00031%); highest among the groups gnomAD compares: Middle Eastern, 0.017%; no homozygotes.

Submissions (2):

Ambry Genetics
Classification: Uncertain significance for Cardiovascular phenotype. Last evaluated: 2025-04-02. Review status: criteria provided, single submitter. Criteria: Ambry Variant Classification Scheme 2023. Collection method: clinical testing. Allele origin: germline.
Comment: The p.L2460P variant (also known as c.7379T>C), located in coding exon 38 of the ANK2 gene, results from a T to C substitution at nucleotide position 7379. The leucine at codon 2460 is replaced by proline, an amino acid with similar properties. This amino acid position is conserved. In addition, the in silico prediction for this alteration is inconclusive. Since supporting evidence is limited at this time, the clinical significance of this alteration remains unclear.

GeneDx
Classification: Uncertain significance. Last evaluated: 2019-04-08. Review status: criteria provided, single submitter. Criteria: GeneDx Variant Classification Process June 2021. Collection method: clinical testing. Allele origin: germline. Affected: yes.
Comment: Not observed at a significant frequency in large population cohorts (Lek et al., 2016); In silico analysis, which includes protein predictors and evolutionary conservation, supports that this variant does not alter protein structure/function; Has not been previously published as pathogenic or benign to our knowledge